The following is an entry in ClinVar:

ClinVar aggregate classification (germline): Pathogenic/Likely pathogenic. Review status: criteria provided, multiple submitters, no conflicts (2 of 4 stars). 2 submissions from 2 submitters: Pathogenic (1); Likely pathogenic (1). Last evaluated 2024-03-21.

Conditions:
Roberts-SC phocomelia syndrome (RBS). Also called: ESCO2 Spectrum Disorder; LONG BONE DEFICIENCIES ASSOCIATED WITH CLEFT LIP-PALATE; Hypomelia hypotrichosis facial hemangioma syndrome; Pseudothalidomide syndrome; Appelt-Gerken-Lenz syndrome. Identifiers: Orphanet 3103, MedGen C0392475, MONDO:0100253, OMIM 268300.
Juberg-Hayward syndrome (JHS). Also called: Cleft lip/palate with abnormal thumbs and microcephaly; OROCRANIODIGITAL SYNDROME. Identifiers: Orphanet 2319, MedGen C0796099, MONDO:0008992, OMIM 216100.

Submissions (2):

Fulgent Genetics
Classification: Likely pathogenic for Juberg-Hayward syndrome; Roberts-SC phocomelia syndrome. Last evaluated: 2024-03-21. Review status: criteria provided, single submitter. Criteria: ACMG Guidelines, 2015. Collection method: clinical testing. Allele origin: germline.

Labcorp Genetics (formerly Invitae), Labcorp
Classification: Pathogenic. Last evaluated: 2023-09-27. Review status: criteria provided, single submitter. Criteria: Invitae Variant Classification Sherloc (09022015). Collection method: clinical testing. Allele origin: germline.
Comment: This sequence change creates a premature translational stop signal (p.Val213Cysfs*2) in the ESCO2 gene. It is expected to result in an absent or disrupted protein product. Loss-of-function variants in ESCO2 are known to be pathogenic (PMID: 15821733, 16380922). For these reasons, this variant has been classified as Pathogenic. This variant has not been reported in the literature in individuals affected with ESCO2-related conditions. This variant is not present in population databases (gnomAD no frequency).

Literature cited by the submitters: PubMed 15821733 (cited by Labcorp Genetics (formerly Invitae), Labcorp); PubMed 16380922 (cited by Labcorp Genetics (formerly Invitae), Labcorp).

NM_001017420.3(ESCO2):c.636dup (p.Val213fs)

Gene: ESCO2 (establishment of sister chromatid cohesion N-acetyltransferase 2; plus strand). Cytogenetic location: 8p21.1.
Variant type: Duplication.
Coding change: c.636dup on transcript NM_001017420.3 (MANE Select); coding-DNA position 636, one base duplicated (T; older notation c.636dupT).
Protein change: p.Val213fs; shifts the reading frame from valine 213.
Molecular consequence: frameshift variant.
Genome position (GRCh38, 1-based): chr8:27,776,944, T duplicated; the last of 6 consecutive T bases (chr8:27,776,939-27,776,944); duplicating any one gives the same sequence. VCF-style (leftmost placement, unchanged base first): chr8-27776938-A-AT. GRCh37 (hg19) VCF-style: chr8-27634455-A-AT.
Other names: short protein forms V213fs.
Identifiers: ClinVar variation 2780128 (VCV002780128.4), dbSNP rs2486628509, ClinGen allele CA2695209058.